The following is an entry in ClinVar:

ClinVar aggregate classification (germline): Uncertain significance (1 of 4 stars; one submission).

Conditions:
Neurofibromatosis, type 1 (NF1). Also called: NEUROFIBROMATOSIS, TYPE I, SOMATIC; Neurofibromatosis, type I; VON RECKLINGHAUSEN DISEASE; Peripheral type neurofibromatosis. Identifiers: Orphanet 636, MedGen C0027831, MONDO:0018975, OMIM 162200. Disease mechanism: loss of function.

Allele frequency attached by ClinVar (database versions not stated): TOPMed below 0.00001; gnomAD 0.00001.
gnomAD v4.1: 2 of 1,613,920 alleles (0.00012%); highest among the groups gnomAD compares: Non-Finnish European, 0.00017%; no homozygotes.

Submission:

Labcorp Genetics (formerly Invitae), Labcorp
Classification: Uncertain significance for Neurofibromatosis, type 1. Last evaluated: 2020-01-21. Review status: criteria provided, single submitter. Criteria: Invitae Variant Classification Sherloc (09022015). Collection method: clinical testing. Allele origin: germline.
Comment: In summary, the available evidence is currently insufficient to determine the role of this variant in disease. Therefore, it has been classified as a Variant of Uncertain Significance. Algorithms developed to predict the effect of missense changes on protein structure and function are either unavailable or do not agree on the potential impact of this missense change (SIFT: "Deleterious"; PolyPhen-2: "Probably Damaging"; Align-GVGD: "Class C0"). This variant has not been reported in the literature in individuals with NF1-related conditions. This variant is not present in population databases (ExAC no frequency). This sequence change replaces histidine with leucine at codon 1487 of the NF1 protein (p.His1487Leu). The histidine residue is highly conserved and there is a moderate physicochemical difference between histidine and leucine.

NM_001042492.3(NF1):c.4523A>T (p.His1508Leu)

Gene: NF1 (neurofibromin 1; plus strand). Cytogenetic location: 17q11.2.
Variant type: single nucleotide variant.
Coding change: c.4523A>T on transcript NM_001042492.3 (MANE Select); coding-DNA position 4523, A replaced by T.
Protein change: p.His1508Leu; replaces histidine 1508 with leucine.
Molecular consequence: missense variant.
Genome position (GRCh38, 1-based): chr17:31,260,461, A>T. VCF-style: chr17-31260461-A-T. GRCh37 (hg19) VCF-style: chr17-29587479-A-T.
Other names: c.4460A>T, p.His1487Leu (NM_000267.4); short protein forms H1487L, H1508L.
Identifiers: ClinVar variation 1056824 (VCV001056824.5), dbSNP rs1254695587, ClinGen allele CA398999676.